The following is an entry in ClinVar:

NM_001382430.1(AKT1):c.383A>T (p.Asn128Ile)

Gene: AKT1 (AKT serine/threonine kinase 1; minus strand). Cytogenetic location: 14q32.33.
Variant type: single nucleotide variant.
Coding change: c.383A>T on transcript NM_001382430.1 (MANE Select); coding-DNA position 383, A replaced by T.
Protein change: p.Asn128Ile; replaces asparagine 128 with isoleucine.
Molecular consequence: missense variant.
Genome position (GRCh38, 1-based): chr14:104,775,704, T>A on the plus strand (A>T on the coding strand, the complement: AKT1 is on the minus strand). VCF-style: chr14-104775704-T-A. GRCh37 (hg19) VCF-style: chr14-105242041-T-A.
Other names: c.383A>T, p.Asn128Ile (NM_001014431.2, NM_001014432.2, NM_001382431.1 and 3 more transcripts); short protein forms N128I.
Identifiers: ClinVar variation 1907372 (VCV001907372.6), dbSNP rs2542149418, ClinGen allele CA391220125.

ClinVar aggregate classification (germline): Uncertain significance. Review status: criteria provided, multiple submitters, no conflicts (2 of 4 stars). 2 submissions from 2 submitters: Uncertain significance (2). Last evaluated 2025-06-02.

Conditions:
Inborn genetic diseases. Identifiers: MedGen C0950123, MeSH D030342.
Cowden syndrome 6 (CWS6). Identifiers: Orphanet 201, MedGen C3554519, MONDO:0014048, OMIM 615109.

gnomAD v4.1: 1 of 1,613,980 alleles (0.000062%); highest among the groups gnomAD compares: Non-Finnish European, 0.000085%; no homozygotes.

Submissions (2):

Ambry Genetics
Classification: Uncertain significance for Inborn genetic diseases. Last evaluated: 2025-06-02. Review status: criteria provided, single submitter. Criteria: Ambry Variant Classification Scheme 2023. Collection method: clinical testing. Allele origin: germline.
Comment: The p.N128I variant (also known as c.383A>T), located in coding exon 4 of the AKT1 gene, results from an A to T substitution at nucleotide position 383. The asparagine at codon 128 is replaced by isoleucine, an amino acid with dissimilar properties. This amino acid position is conserved. In addition, this alteration is predicted to be tolerated by in silico analysis. Based on the available evidence, the clinical significance of this variant remains unclear.

Labcorp Genetics (formerly Invitae), Labcorp
Classification: Uncertain significance for Cowden syndrome 6. Last evaluated: 2024-04-10. Review status: criteria provided, single submitter. Criteria: Invitae Variant Classification Sherloc (09022015). Collection method: clinical testing. Allele origin: germline.
Comment: This sequence change replaces asparagine, which is neutral and polar, with isoleucine, which is neutral and non-polar, at codon 128 of the AKT1 protein (p.Asn128Ile). This variant is not present in population databases (gnomAD no frequency). This variant has not been reported in the literature in individuals affected with AKT1-related conditions. ClinVar contains an entry for this variant (Variation ID: 1907372). An algorithm developed to predict the effect of missense changes on protein structure and function (PolyPhen-2) suggests that this variant is likely to be tolerated. In summary, the available evidence is currently insufficient to determine the role of this variant in disease. Therefore, it has been classified as a Variant of Uncertain Significance.